The following is an entry in ClinVar:

NM_000387.6(SLC25A20):c.139_147del (p.Gly47_Pro49del)

Gene: SLC25A20 (solute carrier family 25 member 20; minus strand). Cytogenetic location: 3p21.31.
Variant type: Deletion.
Coding change: c.139_147del on transcript NM_000387.6 (MANE Select); coding-DNA positions 139 to 147, 9 bases deleted (GGACAACCT; older notation c.139_147delGGACAACCT).
Protein change: p.Gly47_Pro49del.
Molecular consequence: inframe deletion.
Genome position (GRCh38, 1-based): chr3:48,892,031-48,892,039, AGGTTGTCC deleted on the plus strand (GGACAACCT on the coding strand, the reverse complement: SLC25A20 is on the minus strand); deleting any 9 consecutive bases within chr3:48,892,031-48,892,042 gives the same sequence; the c. name uses the placement nearest the transcript's 3' end. VCF-style (leftmost placement, unchanged base first): chr3-48892030-GAGGTTGTCC-G. GRCh37 (hg19) VCF-style: chr3-48929463-GAGGTTGTCC-G.
Identifiers: ClinVar variation 2021819 (VCV002021819.4), dbSNP rs1310890508, ClinGen allele CA907817858.

ClinVar aggregate classification (germline): Uncertain significance (1 of 4 stars; one submission).

Conditions:
Carnitine acylcarnitine translocase deficiency (CACTD). Identifiers: Orphanet 159, MedGen C0342791, MONDO:0008918, OMIM 212138.

Submission:

Labcorp Genetics (formerly Invitae), Labcorp
Classification: Uncertain significance for Carnitine acylcarnitine translocase deficiency. Last evaluated: 2022-08-05. Review status: criteria provided, single submitter. Criteria: Invitae Variant Classification Sherloc (09022015). Collection method: clinical testing. Allele origin: germline.
Comment: In summary, the available evidence is currently insufficient to determine the role of this variant in disease. Therefore, it has been classified as a Variant of Uncertain Significance. Experimental studies and prediction algorithms are not available or were not evaluated, and the functional significance of this variant is currently unknown. This variant has not been reported in the literature in individuals affected with SLC25A20-related conditions. This variant is not present in population databases (gnomAD no frequency). This variant, c.139_147del, results in the deletion of 3 amino acid(s) of the SLC25A20 protein (p.Gly47_Pro49del), but otherwise preserves the integrity of the reading frame.